The following is an entry in ClinVar:

ClinVar aggregate classification (germline): Benign/Likely benign. Review status: criteria provided, multiple submitters, no conflicts (2 of 4 stars). 4 submissions from 4 submitters: Benign (1); Likely benign (2). 1 of the submissions does not count toward it. Last evaluated 2026-04-10.

Conditions:
Hereditary breast ovarian cancer syndrome. Also called: Hereditary breast and ovarian cancer syndrome (HBOC); Hereditary breast and ovarian cancer; BRCA1- and BRCA2-Associated Hereditary Breast and Ovarian Cancer; Breast and ovarian cancer; Hereditary breast and ovarian cancer syndrome; Hereditary breast and/or ovarian cancer syndrome. Identifiers: Orphanet 145, MedGen C0677776, MeSH D061325, MONDO:0003582. Disease mechanism: loss of function.
Breast-ovarian cancer, familial, susceptibility to, 1 (BROVCA1). Also called: OVARIAN CANCER, SUSCEPTIBILITY TO; BRCA1 Hereditary Breast and Ovarian Cancer. Identifiers: Orphanet 145, MedGen C2676676, MONDO:0011450, OMIM 604370. Disease mechanism: loss of function.

Allele frequency attached by ClinVar (database versions not stated): gnomAD exomes below 0.00001.
gnomAD v4.1: 2 of 1,610,774 alleles (0.00012%); highest among the groups gnomAD compares: Non-Finnish European, 0.00017%; no homozygotes.

Submissions (5):

Women's Health and Genetics/Laboratory Corporation of America, LabCorp
Classification: Likely benign. Last evaluated: 2026-04-10. Review status: criteria provided, single submitter. Criteria: LabCorp Variant Classification Summary - May 2015. Collection method: clinical testing. Allele origin: germline.
Comment: Variant summary: BRCA1 c.81-11T>C alters a nucleotide located at a position not widely known to affect splicing. Computational tools predict a significant impact on normal splicing: Two predict the variant weakens a canonical 3' acceptor site and one predict the variant abolishes a 3' acceptor site. One predict the variant no significant impact on splicing. However, analysis of mRNA from carrier cells did not find any alteration to the transcript (Quiles_2016). The variant allele was found at a frequency of 4.1e-06 in 246302 control chromosomes (gnomAD). The available data on variant occurrences in the general population are insufficient to allow any conclusion about variant significance. To our knowledge, no occurrence of c.81-11T>C in individuals affected with BRCA1-related conditions has been reported. At least one functional study reports experimental evidence evaluating an impact on protein function and showed no damaging effect of this variant on homology directed repair (HDR) activity (e.g. Findlay_2018). HDR assays qualify as a recognized gold standard on the basis of updated guidance provided by the ClinGen Sequence Variant Interpretation (SVI) working group. The following publications have been ascertained in the context of this evaluation (PMID: 30209399, 26780556). ClinVar contains an entry for this variant (Variation ID: 632617). Based on the evidence outlined above, the variant was classified as likely benign.

Labcorp Genetics (formerly Invitae), Labcorp
Classification: Likely benign for Hereditary breast ovarian cancer syndrome. Last evaluated: 2024-04-30. Review status: criteria provided, single submitter. Criteria: Invitae Variant Classification Sherloc (09022015). Collection method: clinical testing. Allele origin: germline.

All of Us Research Program, National Institutes of Health
Classification: Benign for Breast-ovarian cancer, familial, susceptibility to, 1. Last evaluated: 2023-04-10. Review status: criteria provided, single submitter. Criteria: ACMG Guidelines, 2015. Collection method: clinical testing. Allele origin: germline. Inheritance: Autosomal dominant inheritance. Observed: 1 variant allele, 1 heterozygote.
Comment: This study involves interpretation of variants in research participants for the purpose of population health screening. Participant phenotype was not available at the time of variant classification. Additional details can be found in publication PMID: 35346344, PMCID: PMC8962531

Hereditary Cancer Genetics group, Vall d'Hebron Institute of Oncology
Classification: Benign for Hereditary breast and ovarian cancer syndrome. Last evaluated: 2019-03-01. Review status: no assertion criteria provided. Collection method: research. Allele origin: germline. Affected: no. Not counted in ClinVar's aggregate classification.

Brotman Baty Institute, University of Washington
No classification provided (evidence only). Condition: Breast-ovarian cancer, familial 1. Review status: no classification provided. Collection method: in vitro. Allele origin: not applicable. Functional consequence: functionally_normal. Not counted in ClinVar's aggregate classification.
ClinVar note: "not provided" was previously submitted as the classification for the variant. However, the classification appeared to be based only on an observation of functional data so it was converted to no classification on 2025-07-30.

Literature cited by the submitters: PubMed 26780556 (cited by Women's Health and Genetics/Laboratory Corporation of America, LabCorp); PubMed 30209399 (cited by Women's Health and Genetics/Laboratory Corporation of America, LabCorp); PubMed 30472649 (cited by Hereditary Cancer Genetics group, Vall d'Hebron Institute of Oncology).

NM_007294.4(BRCA1):c.81-11T>C

Gene: BRCA1 (BRCA1 DNA repair associated; minus strand). Cytogenetic location: 17q21.31.
Variant type: single nucleotide variant.
Coding change: c.81-11T>C on transcript NM_007294.4 (MANE Select); 11 bases into the intron before coding-DNA position 81, T replaced by C.
Molecular consequence: intron variant.
Genome position (GRCh38, 1-based): chr17:43,115,790, A>G on the plus strand (T>C on the coding strand, the complement: BRCA1 is on the minus strand). VCF-style: chr17-43115790-A-G. GRCh37 (hg19) VCF-style: chr17-41267807-A-G.
Other names: c.-61-11T>C (NM_001408458.1, NM_001408470.1, NM_001407848.1 and 47 more transcripts); c.-219+9487T>C (NM_001407967.1); c.-170+9487T>C (NM_001407959.1); c.-7-9257T>C (NM_001407931.1, NM_001407747.1, NM_001408511.1 and 2 more transcripts); c.-223-11T>C (NM_001407962.1, NM_001408512.1, NM_001408510.1 and 1 more transcripts); c.-108-11T>C (NM_001407885.1, NM_001407886.1, NM_001408509.1 and 52 more transcripts); c.-177-11T>C (NM_001407746.1, NM_001408468.1, NM_001407842.1 and 13 more transcripts); c.-8+8227T>C (NM_001408461.1, NM_001407738.1, NM_001407932.1 and 23 more transcripts); and 10 more.
Identifiers: ClinVar variation 632617 (VCV000632617.16), dbSNP rs767144634, ClinGen allele CA290823726.